The following is an entry in ClinVar:

ClinVar aggregate classification (germline): Uncertain significance. Review status: criteria provided, multiple submitters, no conflicts (2 of 4 stars). 5 submissions from 5 submitters: Uncertain significance (5). Last evaluated 2026-07-07.

Conditions:
Cardiovascular phenotype. Identifiers: MedGen CN230736.
TTN-related disorder. Also called: TTN-related disorders; TTN-related condition; TTN-related disease.

Allele frequency attached by ClinVar (database versions not stated): ExAC 0.00001; gnomAD 0.00001 and 0.00003; gnomAD exomes 0.00002 and 0.00003; TOPMed 0.00002; ESP Exome Variant Server 0.00008.
gnomAD v4.1: 41 of 1,613,632 alleles (0.0025%); highest among the groups gnomAD compares: African/African-American, 0.0067%; no homozygotes.

Submissions (5):

PreventionGenetics, part of Exact Sciences
Classification: Uncertain significance for TTN-related condition. Last evaluated: 2026-07-07. Review status: criteria provided, single submitter. Criteria: ACMG Guidelines, 2015. Collection method: clinical testing. Allele origin: germline.
Comment: The TTN c.92455G>A variant is predicted to result in the amino acid substitution p.Val30819Ile. To our knowledge, this variant has not been reported in the literature. This variant is reported in 0.0087% of alleles in individuals of Latino descent in gnomAD. At this time, the clinical significance of this variant is uncertain due to the absence of conclusive functional and genetic evidence.

Revvity Omics, Revvity
Classification: Uncertain significance. Last evaluated: 2021-09-16. Review status: criteria provided, single submitter. Criteria: ACMG Guidelines, 2015. Collection method: clinical testing. Allele origin: germline.

Ambry Genetics
Classification: Uncertain significance for Cardiovascular phenotype. Last evaluated: 2019-07-31. Review status: criteria provided, single submitter. Criteria: Ambry Variant Classification Scheme 2023. Collection method: clinical testing. Allele origin: germline.
Comment: The p.V21754I variant (also known as c.65260G>A), located in coding exon 166 of the TTN gene, results from a G to A substitution at nucleotide position 65260. The valine at codon 21754 is replaced by isoleucine, an amino acid with highly similar properties. This amino acid position is well conserved in available vertebrate species. In addition, this alteration is predicted to be tolerated by in silico analysis. Since supporting evidence is limited at this time, the clinical significance of this alteration remains unclear.

CeGaT Center for Human Genetics Tuebingen
Classification: Uncertain significance. Last evaluated: 2016-11-01. Review status: criteria provided, single submitter. Criteria: CeGaT Center For Human Genetics Tuebingen Variant Classification Criteria Version 2. Collection method: clinical testing. Allele origin: germline. Affected: yes. Observed: 1 variant allele.

Laboratory for Molecular Medicine, Mass General Brigham Personalized Medicine
Classification: Uncertain significance. Last evaluated: 2014-08-18. Review status: criteria provided, single submitter. Criteria: LMM Criteria. Collection method: clinical testing. Allele origin: germline. Observed: 2 variant alleles.
Comment: The Val28251Ile variant in TTN has not been previously reported in individuals w ith cardiomyopathy, but has been identified in 1/8306 of European American chrom osomes by the NHLBI Exome Sequencing Project (dbSNP rs368511235). Computational prediction tools and conservation analysis do not provide strong support for or against an impact to the protein. In summary, the clinical significance of the Val28251Ile variant is uncertain.

NM_001267550.2(TTN):c.92455G>A (p.Val30819Ile)

Genes: TTN-AS1 (TTN antisense RNA 1; plus strand), TTN (titin; minus strand). Cytogenetic location: 2q31.2.
Variant type: single nucleotide variant.
Coding change: c.92455G>A on transcript NM_001267550.2 (MANE Select); coding-DNA position 92455, G replaced by A.
Protein change: p.Val30819Ile; replaces valine 30819 with isoleucine.
Molecular consequence: missense variant.
Genome position (GRCh38, 1-based): chr2:178,549,171, C>T on the plus strand (G>A on the coding strand, the complement: TTN is on the minus strand). VCF-style: chr2-178549171-C-T. GRCh37 (hg19) VCF-style: chr2-179413898-C-T.
Other names: c.87532G>A, p.Val29178Ile (NM_001256850.1); c.65260G>A, p.Val21754Ile (NM_003319.4); c.65635G>A, p.Val21879Ile (NM_133432.3); c.65836G>A, p.Val21946Ile (NM_133437.4); c.84751G>A, p.Val28251Ile (NM_133378.4); short protein forms V28251I, V30819I, V21754I, V21879I, V21946I, V29178I.
Identifiers: ClinVar variation 178170 (VCV000178170.53), dbSNP rs368511235, ClinGen allele CA181632.